The following is an entry in ClinVar:

ClinVar aggregate classification (germline): Uncertain significance (1 of 4 stars; one submission).

Allele frequency attached by ClinVar (database versions not stated): gnomAD exomes 0.00001 and 0.00002; gnomAD 0.00003; TOPMed 0.00003; ESP Exome Variant Server 0.00008.
gnomAD v4.1: 14 of 1,604,192 alleles (0.00087%); highest among the groups gnomAD compares: Non-Finnish European, 0.0012%; no homozygotes.

Submission:

Labcorp Genetics (formerly Invitae), Labcorp
Classification: Uncertain significance. Last evaluated: 2022-07-15. Review status: criteria provided, single submitter. Criteria: Invitae Variant Classification Sherloc (09022015). Collection method: clinical testing. Allele origin: germline.
Comment: This sequence change replaces glycine, which is neutral and non-polar, with arginine, which is basic and polar, at codon 309 of the COL18A1 protein (p.Gly309Arg). This variant is present in population databases (rs369289615, gnomAD 0.004%). This variant has not been reported in the literature in individuals affected with COL18A1-related conditions. ClinVar contains an entry for this variant (Variation ID: 1378430). Experimental studies and prediction algorithms are not available or were not evaluated, and the functional significance of this variant is currently unknown. In summary, the available evidence is currently insufficient to determine the role of this variant in disease. Therefore, it has been classified as a Variant of Uncertain Significance.

NM_001379500.1(COL18A1):c.925G>A (p.Gly309Arg)

Gene: COL18A1 (collagen type XVIII alpha 1 chain; plus strand). Cytogenetic location: 21q22.3.
Variant type: single nucleotide variant.
Coding change: c.925G>A on transcript NM_001379500.1 (MANE Select); coding-DNA position 925, G replaced by A.
Protein change: p.Gly309Arg; replaces glycine 309 with arginine.
Molecular consequence: missense variant.
Genome position (GRCh38, 1-based): chr21:45,476,477, G>A. VCF-style: chr21-45476477-G-A. GRCh37 (hg19) VCF-style: chr21-46896391-G-A.
Other names: c.1465G>A, p.Gly489Arg (NM_030582.4); c.2170G>A, p.Gly724Arg (NM_130444.3); short protein forms G489R, G724R, G309R.
Identifiers: ClinVar variation 1378430 (VCV001378430.3), dbSNP rs369289615, ClinGen allele CA321913698.